The following is an entry in ClinVar:

NM_024675.4(PALB2):c.1745C>G (p.Ser582Cys)

Gene: PALB2 (partner and localizer of BRCA2; minus strand). Cytogenetic location: 16p12.2.
Variant type: single nucleotide variant.
Coding change: c.1745C>G on transcript NM_024675.4 (MANE Select); coding-DNA position 1745, C replaced by G.
Protein change: p.Ser582Cys; replaces serine 582 with cysteine.
Molecular consequence: missense variant.
Genome position (GRCh38, 1-based): chr16:23,630,409, G>C on the plus strand (C>G on the coding strand, the complement: PALB2 is on the minus strand). VCF-style: chr16-23630409-G-C. GRCh37 (hg19) VCF-style: chr16-23641730-G-C.
Other names: short protein forms S582C.
Identifiers: ClinVar variation 948850 (VCV000948850.10), dbSNP rs865777690, ClinGen allele CA395128276.

ClinVar aggregate classification (germline): Uncertain significance (1 of 4 stars; one submission).

Conditions:
Familial cancer of breast. Also called: Hereditary breast cancer; hereditary breast carcinoma; BREAST CANCER, FAMILIAL. Identifiers: Orphanet 227535, MedGen C0346153, MONDO:0016419, OMIM 114480. Disease mechanism: loss of function.

Submission:

Labcorp Genetics (formerly Invitae), Labcorp
Classification: Uncertain significance for Familial cancer of breast. Last evaluated: 2019-06-09. Review status: criteria provided, single submitter. Criteria: Invitae Variant Classification Sherloc (09022015). Collection method: clinical testing. Allele origin: germline.
Comment: In summary, the available evidence is currently insufficient to determine the role of this variant in disease. Therefore, it has been classified as a Variant of Uncertain Significance. Algorithms developed to predict the effect of missense changes on protein structure and function are either unavailable or do not agree on the potential impact of this missense change (SIFT: "Tolerated"; PolyPhen-2: "Possibly Damaging"; Align-GVGD: "Class C0"). This variant has not been reported in the literature in individuals with PALB2-related conditions. This variant is not present in population databases (ExAC no frequency). This sequence change replaces serine with cysteine at codon 582 of the PALB2 protein (p.Ser582Cys). The serine residue is weakly conserved and there is a moderate physicochemical difference between serine and cysteine.